The following is an entry in ClinVar:

NM_198525.3(KIF7):c.61C>T (p.Arg21Ter)

Gene: KIF7 (kinesin family member 7; minus strand). Cytogenetic location: 15q26.1.
Variant type: single nucleotide variant.
Coding change: c.61C>T on transcript NM_198525.3 (MANE Select); coding-DNA position 61, C replaced by T.
Protein change: p.Arg21Ter; replaces arginine 21 with a stop codon.
Molecular consequence: nonsense.
Genome position (GRCh38, 1-based): chr15:89,652,870, G>A on the plus strand (C>T on the coding strand, the complement: KIF7 is on the minus strand). VCF-style: chr15-89652870-G-A. GRCh37 (hg19) VCF-style: chr15-90196101-G-A.
Other names: short protein forms R21*.
Identifiers: ClinVar variation 195441 (VCV000195441.18), dbSNP rs794727316, ClinGen allele CA020438.

ClinVar aggregate classification (germline): Pathogenic/Likely pathogenic. Review status: criteria provided, multiple submitters, no conflicts (2 of 4 stars). 7 submissions from 7 submitters: Pathogenic (4); Likely pathogenic (3). Last evaluated 2025-12-29.

Conditions:
KIF7-related disorder. Also called: KIF7-related condition.
Hydrolethalus syndrome 2 (HLS2). Identifiers: Orphanet 2189, MedGen C3279899, MONDO:0013585, OMIM 614120.
Multiple epiphyseal dysplasia, Al-Gazali type. Also called: Macrocephaly with multiple epiphyseal dysplasia and distinctive facies. Identifiers: Orphanet 166024, MedGen C1846722, MONDO:0011778, OMIM 607131.
Acrocallosal syndrome (ACLS). Also called: Schinzel syndrome 1; Absence of corpus callosum with unusual facial appearance, mental deficiency, duplication of the halluces and polydactyly; HALLUX DUPLICATION, POSTAXIAL POLYDACTYLY, AND ABSENCE OF CORPUS CALLOSUM. Identifiers: Orphanet 36, MedGen C0796147, MONDO:0008708, OMIM 200990.

Allele frequency attached by ClinVar (database versions not stated): TOPMed 0.00002; gnomAD 0.00003.

Submissions (7):

Labcorp Genetics (formerly Invitae), Labcorp
Classification: Pathogenic for Acrocallosal syndrome. Last evaluated: 2025-12-29. Review status: criteria provided, single submitter. Criteria: Invitae Variant Classification Sherloc (09022015). Collection method: clinical testing. Allele origin: germline.
Comment: This sequence change creates a premature translational stop signal (p.Arg21*) in the KIF7 gene. It is expected to result in an absent or disrupted protein product. Loss-of-function variants in KIF7 are known to be pathogenic (PMID: 19666503, 21552264, 21633164, 26648833). The frequency data for this variant in the population databases is considered unreliable, as metrics indicate poor data quality at this position in the gnomAD database. This variant has not been reported in the literature in individuals affected with KIF7-related conditions. ClinVar contains an entry for this variant (Variation ID: 195441). For these reasons, this variant has been classified as Pathogenic.

3billion
Classification: Pathogenic for Acrocallosal syndrome. Last evaluated: 2025-11-25. Review status: criteria provided, single submitter. Criteria: ACMG Guidelines, 2015. Collection method: clinical testing. Allele origin: germline. Affected: yes.
Comment: The variant is observed at an extremely low frequency in the gnomAD v4.1.0 dataset (total allele frequency: 0.002%). Predicted Consequence/Location: Stop-gained (nonsense): predicted to result in a loss or disruption of normal protein function through nonsense-mediated decay (NMD) or protein truncation. Multiple pathogenic variants are reported downstream of the variant. The variant has been reported at least twice as pathogenic with clinical assertions and evidence for the classification (ClinVar ID: VCV000195441 /PMID: 31589614). Therefore, this variant is classified as Pathogenic according to the recommendation of ACMG/AMP guideline.

GeneDx
Classification: Pathogenic. Last evaluated: 2025-04-10. Review status: criteria provided, single submitter. Criteria: GeneDx Variant Classification Process June 2021. Collection method: clinical testing. Allele origin: germline. Affected: yes.
Comment: Nonsense variant predicted to result in protein truncation or nonsense mediated decay in a gene for which loss-of-function is a known mechanism of disease; Not observed at significant frequency in large population cohorts (gnomAD); Has not been previously published as pathogenic or benign to our knowledge; This variant is associated with the following publications: (PMID: 31589614, 27535533)

Fulgent Genetics
Classification: Likely pathogenic for Acrocallosal syndrome; Multiple epiphyseal dysplasia, Al-Gazali type; Hydrolethalus syndrome 2. Last evaluated: 2024-04-03. Review status: criteria provided, single submitter. Criteria: ACMG Guidelines, 2015. Collection method: clinical testing. Allele origin: germline.

Revvity Omics, Revvity
Classification: Likely pathogenic. Last evaluated: 2023-06-30. Review status: criteria provided, single submitter. Criteria: ACMG Guidelines, 2015. Collection method: clinical testing. Allele origin: germline.

Blueprint Genetics
Classification: Likely pathogenic for KIF7-related disorders. Last evaluated: 2021-08-17. Review status: criteria provided, single submitter. Criteria: ACMG Guidelines, 2015. Collection method: clinical testing. Allele origin: germline. Affected: yes. Observed: 3 variant alleles.

Eurofins Ntd Llc (ga)
Classification: Pathogenic. Last evaluated: 2015-05-11. Review status: criteria provided, single submitter. Criteria: EGL Classification Definitions 2015. Collection method: clinical testing. Allele origin: germline. Observed: 2 variant alleles, 1 heterozygote.

Literature cited by the submitters: PubMed 19666503 (cited by Labcorp Genetics (formerly Invitae), Labcorp); PubMed 21552264 (cited by Labcorp Genetics (formerly Invitae), Labcorp); PubMed 21633164 (cited by Labcorp Genetics (formerly Invitae), Labcorp); PubMed 26648833 (cited by Labcorp Genetics (formerly Invitae), Labcorp); PubMed 31589614 (cited by 3billion).